The following is an entry in ClinVar:

NM_001164508.2(NEB):c.4376A>T (p.Lys1459Met)

Gene: NEB (nebulin; minus strand). Cytogenetic location: 2q23.3.
Variant type: single nucleotide variant.
Coding change: c.4376A>T on transcript NM_001164508.2 (MANE Select); coding-DNA position 4376, A replaced by T.
Protein change: p.Lys1459Met; replaces lysine 1459 with methionine.
Molecular consequence: missense variant.
Genome position (GRCh38, 1-based): chr2:151,671,153, T>A on the plus strand (A>T on the coding strand, the complement: NEB is on the minus strand). VCF-style: chr2-151671153-T-A. GRCh37 (hg19) VCF-style: chr2-152527667-T-A.
Other names: c.4376A>T, p.Lys1459Met (NM_001164507.2, NM_001271208.2, NM_004543.5); c.4376A>T (NM_004543.4); short protein forms K1459M.
Identifiers: ClinVar variation 1060580 (VCV001060580.11), dbSNP rs975412307, ClinGen allele CA57650128.

ClinVar aggregate classification (germline): Uncertain significance. Review status: criteria provided, multiple submitters, no conflicts (2 of 4 stars). 3 submissions from 3 submitters: Uncertain significance (2). 1 of the submissions does not count toward it. Last evaluated 2025-01-20.

Conditions:
Inborn genetic diseases. Identifiers: MedGen C0950123, MeSH D030342.
Nemaline myopathy 2 (NEM2). Also called: Nemaline myopathy 2, autosomal recessive. Identifiers: MedGen C1850569, MONDO:0009725, OMIM 256030.

Allele frequency attached by ClinVar (database versions not stated): gnomAD exomes below 0.00001; gnomAD 0.00001 and 0.00002.
gnomAD v4.1: 4 of 1,613,866 alleles (0.00025%); highest among the groups gnomAD compares: Admixed American, 0.0017%; no homozygotes.

Submissions (3):

Ambry Genetics
Classification: Uncertain significance for Inborn genetic diseases. Last evaluated: 2025-01-20. Review status: criteria provided, single submitter. Criteria: Ambry Variant Classification Scheme 2023. Collection method: clinical testing. Allele origin: germline.

Labcorp Genetics (formerly Invitae), Labcorp
Classification: Uncertain significance for Nemaline myopathy 2. Last evaluated: 2022-06-02. Review status: criteria provided, single submitter. Criteria: Invitae Variant Classification Sherloc (09022015). Collection method: clinical testing. Allele origin: germline.
Comment: This sequence change replaces lysine, which is basic and polar, with methionine, which is neutral and non-polar, at codon 1459 of the NEB protein (p.Lys1459Met). This variant is not present in population databases (gnomAD no frequency). This variant has not been reported in the literature in individuals affected with NEB-related conditions. ClinVar contains an entry for this variant (Variation ID: 1060580). Algorithms developed to predict the effect of missense changes on protein structure and function are either unavailable or do not agree on the potential impact of this missense change (SIFT: "Deleterious"; PolyPhen-2: "Not Available"; Align-GVGD: "Class C0"). In summary, the available evidence is currently insufficient to determine the role of this variant in disease. Therefore, it has been classified as a Variant of Uncertain Significance.

Natera, Inc.
Classification: Uncertain significance for Nemaline myopathy type 2. Last evaluated: 2020-02-04. Review status: no assertion criteria provided. Collection method: clinical testing. Allele origin: germline. Not counted in ClinVar's aggregate classification.